The following is an entry in ClinVar:

ClinVar aggregate classification (germline): Pathogenic/Likely pathogenic. Review status: criteria provided, multiple submitters, no conflicts (2 of 4 stars). 6 submissions from 6 submitters: Pathogenic (3); Likely pathogenic (3). Last evaluated 2025-08-04.

Conditions:
Hereditary cancer-predisposing syndrome. Also called: Tumor predisposition; Hereditary Cancer Syndrome; Hereditary neoplastic syndrome; Neoplastic Syndromes, Hereditary. Identifiers: Orphanet 140162, MedGen C0027672, MeSH D009386, MONDO:0015356.
Ataxia-telangiectasia syndrome (AT). Also called: Ataxia telangiectasia (A-T); LOUIS-BAR SYNDROME; Cerebello-oculocutaneous telangiectasia; Immunodeficiency with ataxia telangiectasia; ATAXIA-TELANGIECTASIA, COMPLEMENTATION GROUP A; ATAXIA-TELANGIECTASIA, FRESNO VARIANT. Identifiers: Orphanet 100, MedGen C0004135, MONDO:0008840, OMIM 208900.
Familial cancer of breast. Also called: hereditary breast carcinoma; BREAST CANCER, FAMILIAL; Hereditary breast cancer. Identifiers: Orphanet 227535, MedGen C0346153, MONDO:0016419, OMIM 114480. Disease mechanism: loss of function.

Allele frequency attached by ClinVar (database versions not stated): TOPMed 0.00001.
gnomAD v4.1: 2 of 1,597,124 alleles (0.00013%); highest among the groups gnomAD compares: African/African-American, 0.0013%; no homozygotes.

Submissions (6):

Labcorp Genetics (formerly Invitae), Labcorp
Classification: Pathogenic for Ataxia-telangiectasia syndrome. Last evaluated: 2025-08-04. Review status: criteria provided, single submitter. Criteria: Invitae Variant Classification Sherloc (09022015). Collection method: clinical testing. Allele origin: germline.
Comment: This sequence change affects a donor splice site in intron 7 of the ATM gene. It is expected to disrupt RNA splicing. Variants that disrupt the donor or acceptor splice site typically lead to a loss of protein function (PMID: 16199547), and loss-of-function variants in ATM are known to be pathogenic (PMID: 23807571, 25614872). This variant is present in population databases (no rsID available, gnomAD 0.007%). Disruption of this splice site has been observed in individuals with ATM-related conditions (PMID: 12815592, 21665257, 31206626). ClinVar contains an entry for this variant (Variation ID: 234172). Algorithms developed to predict the effect of sequence changes on RNA splicing suggest that this variant may disrupt the consensus splice site. For these reasons, this variant has been classified as Pathogenic.

Molecular Diagnostics Laboratory, Catalan Institute of Oncology
Classification: Likely pathogenic for Hereditary cancer-predisposing syndrome. Last evaluated: 2024-12-04. Review status: criteria provided, single submitter. Criteria: ClinGen ACMG Specifications ATM V1.1.0. Collection method: clinical testing. Allele origin: germline.
Comment: PVS1, PM2_Supporting c.901+1G>T, located in a canonic splicing site of the ATM is predicted to alter splicing, probably causing the skipping of exon 7.This alteration is expected to result in loss of function by premature protein truncation and nonsense-mediated mRNA decay (PVS1). The SpliceAI algorithm predicts that the variant impairs the splicing donor site of intron 7. This variant is found in 1/117012 with a filtering allele frequency of 0.00004% in the gnomAD v2.1.1 database (European (non-Finnish) non-cancer data set)(PM2_supporting). To our knowledge, functional studies have not been reported for this variant. The variant has been identified in ClinVar (3x pathogenic, 2x likely pathogenic) database but not in LOVD database. Based on currently available information, the variant c.901+1G>T is classified as a likely pathogenic variant according to ClinGen-ATM Guidelines version 1.1.

Myriad Genetics, Inc.
Classification: Likely pathogenic for Familial cancer of breast. Last evaluated: 2024-01-11. Review status: criteria provided, single submitter. Criteria: Myriad Autosomal Dominant, Autosomal Recessive and X-Linked Classification Criteria (2023). Collection method: clinical testing. Allele origin: unknown.
Comment: This variant is considered likely pathogenic. This variant occurs within a consensus splice junction and is predicted to result in abnormal mRNA splicing of either an out-of-frame exon or an in-frame exon necessary for protein stability and/or normal function.

Baylor Genetics
Classification: Pathogenic for Familial cancer of breast. Last evaluated: 2023-05-08. Review status: criteria provided, single submitter. Criteria: ACMG Guidelines, 2015. Collection method: clinical testing. Allele origin: unknown.

Color Diagnostics, LLC DBA Color Health
Classification: Likely pathogenic for Hereditary cancer-predisposing syndrome. Last evaluated: 2020-04-24. Review status: criteria provided, single submitter. Criteria: ACMG Guidelines, 2015. Collection method: clinical testing. Allele origin: germline.
Comment: This variant causes a G to T nucleotide substitution at the +1 position of intron 7 of the ATM gene. Splice site prediction tools suggest that this variant may have a significant impact on RNA splicing. Although this prediction has not been confirmed in published RNA studies, this variant is expected to result in an absent or disrupted protein product. This variant has not been reported in individuals affected with hereditary cancer in the literature. This variant has been identified in 1/31396 chromosomes in the general population by the Genome Aggregation Database (gnomAD). Loss of ATM function is a known mechanism of disease. Based on the available evidence, this variant is classified as Likely Pathogenic.

Ambry Genetics
Classification: Pathogenic for Hereditary cancer-predisposing syndrome. Last evaluated: 2015-09-28. Review status: criteria provided, single submitter. Criteria: Ambry Variant Classification Scheme 2023. Collection method: clinical testing. Allele origin: germline.
Comment: The c.901+1G>T intronic pathogenic mutation results from a G to T substitution one nucleotide after coding exon 6 of the ATM gene. Another alteration at the same position, c.901+1G>A, has been detected in conjunction with a truncating ATM mutation in a Hispanic-American ataxia-telangiectasia family (Mitui M, Hum. Mutat. 2003 Jul; 22(1):43-50). The c.901+1G>T mutation was not reported in population based cohorts in the following databases: Database of Single Nucleotide Polymorphisms (dbSNP), NHLBI Exome Sequencing Project (ESP), and 1000 Genomes Project. In the ESP, this variant was not observed in 6482 samples (12964 alleles) with coverage at this position. Using the BDGP and ESEfinder splice site prediction tools, this alteration is predicted to abolish the native donor splice site; however, direct evidence is unavailable. Alterations that disrupt the canonical splice donor site are typically deleterious in nature (ACMG Recommendations for Standards for Interpretation and Reporting of Sequence Variations. Revision 2007. Genet Med. 2008;10:294). Based on the available evidence, c.901+1G>T is classified as a pathogenic mutation.

Literature cited by the submitters: PubMed 16199547 (cited by Labcorp Genetics (formerly Invitae), Labcorp); PubMed 23807571 (cited by Labcorp Genetics (formerly Invitae), Labcorp); PubMed 25614872 (cited by Labcorp Genetics (formerly Invitae), Labcorp); PubMed 12815592 (cited by Labcorp Genetics (formerly Invitae), Labcorp); PubMed 21665257 (cited by Labcorp Genetics (formerly Invitae), Labcorp); PubMed 31206626 (cited by Labcorp Genetics (formerly Invitae), Labcorp).

NM_000051.4(ATM):c.901+1G>T

Gene: ATM (ATM serine/threonine kinase; plus strand). Cytogenetic location: 11q22.3.
Variant type: single nucleotide variant.
Coding change: c.901+1G>T on transcript NM_000051.4 (MANE Select); the canonical splice donor site of the intron after coding-DNA position 901, G replaced by T.
Molecular consequence: splice donor variant.
Genome position (GRCh38, 1-based): chr11:108,245,027, G>T. VCF-style: chr11-108245027-G-T. GRCh37 (hg19) VCF-style: chr11-108115754-G-T.
Other names: c.901+1G>T (NM_001351834.2).
Identifiers: ClinVar variation 234172 (VCV000234172.19), dbSNP rs748840480, ClinGen allele CA10578981.